The following is an entry in ClinVar:

NM_005502.4(ABCA1):c.2736G>A (p.Met912Ile)

Gene: ABCA1 (ATP binding cassette subfamily A member 1; minus strand). Cytogenetic location: 9q31.1.
Variant type: single nucleotide variant.
Coding change: c.2736G>A on transcript NM_005502.4 (MANE Select); coding-DNA position 2736, G replaced by A.
Protein change: p.Met912Ile; replaces methionine 912 with isoleucine.
Molecular consequence: missense variant.
Genome position (GRCh38, 1-based): chr9:104,822,588, C>T on the plus strand (G>A on the coding strand, the complement: ABCA1 is on the minus strand). VCF-style: chr9-104822588-C-T. GRCh37 (hg19) VCF-style: chr9-107584869-C-T.
Other names: short protein forms M912I.
Identifiers: ClinVar variation 2063656 (VCV002063656.1), dbSNP rs2538149653, ClinGen allele CA374320297.
Genomic context (GRCh38, chr9:104,822,588, plus strand): 5'-CAGGAAGGAGGTGATCTGGCCCTCATAAAAATTCAGTGCCAGGCCATCGACAGCCACCTT[C>T]ATCCCATCTCGGTAGACTTTTACCAGGTTCTGAATGGACACGCCCAGCTTCAAGTGGGTG-3'
Protein context (NP_005493.2, residues 902-922): QNLVKVYRDG[Met912Ile]KVAVDGLALN

ClinVar aggregate classification (germline): Uncertain significance (1 of 4 stars; one submission).

Submission:

Labcorp Genetics (formerly Invitae), Labcorp
Classification: Uncertain significance. Last evaluated: 2022-03-29. Review status: criteria provided, single submitter. Criteria: Invitae Variant Classification Sherloc (09022015). Collection method: clinical testing. Allele origin: germline.
Comment: This sequence change replaces methionine, which is neutral and non-polar, with isoleucine, which is neutral and non-polar, at codon 912 of the ABCA1 protein (p.Met912Ile). This variant is not present in population databases (gnomAD no frequency). This variant has not been reported in the literature in individuals affected with ABCA1-related conditions. Advanced modeling of protein sequence and biophysical properties (such as structural, functional, and spatial information, amino acid conservation, physicochemical variation, residue mobility, and thermodynamic stability) performed at Invitae indicates that this missense variant is not expected to disrupt ABCA1 protein function. In summary, the available evidence is currently insufficient to determine the role of this variant in disease. Therefore, it has been classified as a Variant of Uncertain Significance.